The following is an entry in ClinVar:

ClinVar aggregate classification (germline): Pathogenic/Likely pathogenic. Review status: criteria provided, multiple submitters, no conflicts (2 of 4 stars). 8 submissions from 8 submitters: Pathogenic (4); Likely pathogenic (4). Last evaluated 2025-02-27.

Conditions:
SERAC1-related disorder. Also called: SERAC1-related disorders; SERAC1-related condition.
3-methylglutaconic aciduria with deafness, encephalopathy, and Leigh-like syndrome (MEGDEL). Also called: 3-METHYLGLUTACONIC ACIDURIA, TYPE VI; SERAC1 Deficiency; MEGDEL syndrome. Identifiers: Orphanet 352328, MedGen C4040739, MONDO:0013875, OMIM 614739.

Submissions (8):

GeneDx
Classification: Pathogenic. Last evaluated: 2025-02-27. Review status: criteria provided, single submitter. Criteria: GeneDx Variant Classification Process June 2021. Collection method: clinical testing. Allele origin: germline. Affected: yes.
Comment: Canonical splice site variant predicted to result in an in-frame loss of the adjacent exon in a gene for which loss of function is a known mechanism of disease; Not observed at significant frequency or observed in the homozygous state in large population cohorts (gnomAD); This variant is associated with the following publications: (PMID: 22683713, 27290639, 27331002, 37976411, 34751152, 37306826)

Mayo Clinic Laboratories, Mayo Clinic
Classification: Pathogenic. Last evaluated: 2024-06-24. Review status: criteria provided, single submitter. Criteria: ACMG Guidelines, 2015. Collection method: clinical testing. Allele origin: germline. Observed: 1 variant allele.
Comment: PP4, PM2, PM3_strong, PS4_moderate, PVS1_moderate

Blueprint Genetics
Classification: Pathogenic for SERAC1-related disorders. Last evaluated: 2023-05-26. Review status: criteria provided, single submitter. Criteria: ACMG Guidelines, 2015. Collection method: clinical testing. Allele origin: germline. Affected: yes. Observed: 1 variant allele.

Laboratory Cellgenetics, GMDL Cellgenetics
Classification: Pathogenic for 3-methylglutaconic aciduria with deafness, encephalopathy, and Leigh-like syndrome. Last evaluated: 2023-01-27. Review status: criteria provided, single submitter. Criteria: ACMG Guidelines, 2015. Collection method: clinical testing. Allele origin: biparental. Inheritance: Autosomal recessive inheritance. Affected: yes. Observed: 1 variant allele, 1 homozygote.
Comment: PVS1, PS4, PM2, PP3

PreventionGenetics, part of Exact Sciences
Classification: Likely pathogenic for SERAC1-related condition. Last evaluated: 2022-10-07. Review status: criteria provided, single submitter. Criteria: ACMG Guidelines, 2015. Collection method: clinical testing. Allele origin: germline.
Comment: The SERAC1 c.1822_1828+10delinsACCAACAGG variant is predicted to result in an in-frame deletion and insertion. This variant is predicted to result in frameshift and premature protein termination, however as the deletion/insertion includes the exon 16/intron 16 boundary, this variant is also predicted to abolish the canonical splice donor site based on splicing prediction programs (Alamut Visual v2.11). This variant was reported in homozygous and compound heterozygous states in multiple individuals with 3-methylglutaconic aciduria with deafness, encephalopathy, and Leigh-like syndrome (Wortmann et al. 2012. PubMed ID: 22683713; Pronicka et al. 2016. PubMed ID: 27290639). This variant has not been reported in a large population database, indicating this variant is rare. This variant is interpreted as likely pathogenic.

Clinical Genetics Laboratory, Skane University Hospital Lund
Classification: Likely pathogenic. Last evaluated: 2022-05-27. Review status: criteria provided, single submitter. Criteria: ACMG Guidelines, 2015. Collection method: clinical testing. Allele origin: germline. Affected: yes.

Genome-Nilou Lab
Classification: Likely pathogenic for 3-methylglutaconic aciduria with deafness, encephalopathy, and Leigh-like syndrome. Last evaluated: 2022-03-15. Review status: criteria provided, single submitter. Criteria: ACMG Guidelines, 2015. Collection method: clinical testing. Allele origin: germline. Affected: no.

Greenwood Genetic Center Diagnostic Laboratories, Greenwood Genetic Center
Classification: Likely pathogenic for 3-methylglutaconic aciduria with deafness, encephalopathy, and Leigh-like syndrome. Last evaluated: 2021-11-09. Review status: criteria provided, single submitter. Criteria: ACMG Guidelines, 2015. Collection method: clinical testing. Allele origin: germline. Affected: yes.
Comment: PVS1, PM2

Literature cited by the submitters: PubMed 19103152 (cited by Mayo Clinic Laboratories, Mayo Clinic); PubMed 21455844 (cited by Mayo Clinic Laboratories, Mayo Clinic); PubMed 22683713 (cited by Mayo Clinic Laboratories, Mayo Clinic); PubMed 27290639 (cited by Mayo Clinic Laboratories, Mayo Clinic); PubMed 27331002 (cited by Mayo Clinic Laboratories, Mayo Clinic); PubMed 34751152 (cited by Mayo Clinic Laboratories, Mayo Clinic); PubMed 37306826 (cited by Mayo Clinic Laboratories, Mayo Clinic).

NM_032861.4(SERAC1):c.1822_1828+10delinsACCAACAGG

Gene: SERAC1 (serine active site containing 1; minus strand). Cytogenetic location: 6q25.3.
Variant type: Indel.
Coding change: c.1822_1828+10delinsACCAACAGG on transcript NM_032861.4 (MANE Select); coding-DNA position 1822 through 10 bases into the intron after coding-DNA position 1828, TCAGCAGGTATTCACTC replaced by ACCAACAGG.
Molecular consequence: splice donor variant.
Genome position (GRCh38, 1-based): chr6:158,113,439-158,113,455, GAGTGAATACCTGCTGA replaced by CCTGTTGGT on the plus strand (TCAGCAGGTATTCACTC replaced by ACCAACAGG on the coding strand, the reverse complement: SERAC1 is on the minus strand). VCF-style: chr6-158113439-GAGTGAATACCTGCTGA-CCTGTTGGT. GRCh37 (hg19) VCF-style: chr6-158534471-GAGTGAATACCTGCTGA-CCTGTTGGT.
Other names: p.Ser608Thrfs*5; c.1822_1828+10delinsACCAACAGG (NM_032861.3).
Identifiers: ClinVar variation 420150 (VCV000420150.13), dbSNP rs1554260851, ClinGen allele CA16618269.
Genomic context (GRCh38, chr6:158,113,439, plus strand): 5'-TGCTGTTTACAAGTAAATGCTAGGTATAATTAAGCATCTAACAGCCAACAAGTTTCAAAA[GAGTGAATACCTGCTGA>CCTGTTGGT]TTCCACAGGTACCACATGGAGCTTAATCATGCTGCCAATGTAGGTTGGTAGTGTTTCCAC-3'